The following is an entry in ClinVar:

ClinVar aggregate classification (germline): Uncertain significance (1 of 4 stars; one submission).

Submission:

Labcorp Genetics (formerly Invitae), Labcorp
Classification: Uncertain significance. Last evaluated: 2024-05-09. Review status: criteria provided, single submitter. Criteria: Invitae Variant Classification Sherloc (09022015). Collection method: clinical testing. Allele origin: germline.
Comment: This sequence change replaces tryptophan, which is neutral and slightly polar, with glycine, which is neutral and non-polar, at codon 317 of the GRHL2 protein (p.Trp317Gly). This variant is not present in population databases (gnomAD no frequency). This variant has not been reported in the literature in individuals affected with GRHL2-related conditions. Advanced modeling of protein sequence and biophysical properties (such as structural, functional, and spatial information, amino acid conservation, physicochemical variation, residue mobility, and thermodynamic stability) performed at Invitae indicates that this missense variant is expected to disrupt GRHL2 protein function with a positive predictive value of 80%. In summary, the available evidence is currently insufficient to determine the role of this variant in disease. Therefore, it has been classified as a Variant of Uncertain Significance.

NM_024915.4(GRHL2):c.949T>G (p.Trp317Gly)

Gene: GRHL2 (grainyhead like transcription factor 2; plus strand). Cytogenetic location: 8q22.3.
Variant type: single nucleotide variant.
Coding change: c.949T>G on transcript NM_024915.4 (MANE Select); coding-DNA position 949, T replaced by G.
Protein change: p.Trp317Gly; replaces tryptophan 317 with glycine.
Molecular consequence: missense variant.
Genome position (GRCh38, 1-based): chr8:101,577,465, T>G. VCF-style: chr8-101577465-T-G. GRCh37 (hg19) VCF-style: chr8-102589693-T-G.
Other names: c.901T>G, p.Trp301Gly (NM_001330593.2); short protein forms W301G, W317G.
Identifiers: ClinVar variation 3652809 (VCV003652809.2).